The following is an entry in ClinVar:

NM_014495.4(ANGPTL3):c.866T>A (p.Ile289Lys)

Genes: ANGPTL3 (angiopoietin like 3; plus strand), DOCK7 (dedicator of cytokinesis 7; minus strand). Cytogenetic location: 1p31.3.
Variant type: single nucleotide variant.
Coding change: c.866T>A on transcript NM_014495.4 (MANE Select); coding-DNA position 866, T replaced by A.
Protein change: p.Ile289Lys; replaces isoleucine 289 with lysine.
Molecular consequence: missense variant. On other transcripts: intron variant (7).
Genome position (GRCh38, 1-based): chr1:62,602,315, T>A. VCF-style: chr1-62602315-T-A. GRCh37 (hg19) VCF-style: chr1-63067986-T-A.
Other names: c.1683-15691A>T (NM_001272001.2, NM_001272000.2, NM_033407.4 and 4 more transcripts); short protein forms I289K.
Identifiers: ClinVar variation 2121304 (VCV002121304.4), dbSNP rs988174929, ClinGen allele CA340604860.

ClinVar aggregate classification (germline): Uncertain significance (1 of 4 stars; one submission).

Submission:

Labcorp Genetics (formerly Invitae), Labcorp
Classification: Uncertain significance. Last evaluated: 2024-09-05. Review status: criteria provided, single submitter. Criteria: Invitae Variant Classification Sherloc (09022015). Collection method: clinical testing. Allele origin: germline.
Comment: This sequence change replaces isoleucine, which is neutral and non-polar, with lysine, which is basic and polar, at codon 289 of the ANGPTL3 protein (p.Ile289Lys). This variant is not present in population databases (gnomAD no frequency). This variant has not been reported in the literature in individuals affected with ANGPTL3-related conditions. ClinVar contains an entry for this variant (Variation ID: 2121304). An algorithm developed to predict the effect of missense changes on protein structure and function outputs the following: PolyPhen-2: "Benign". The lysine amino acid residue is found in multiple mammalian species, which suggests that this missense change does not adversely affect protein function. In summary, the available evidence is currently insufficient to determine the role of this variant in disease. Therefore, it has been classified as a Variant of Uncertain Significance.